The following is an entry in ClinVar:

NM_152594.3(SPRED1):c.825T>A (p.Asp275Glu)

Gene: SPRED1 (sprouty related EVH1 domain containing 1; plus strand). Cytogenetic location: 15q14.
Variant type: single nucleotide variant.
Coding change: c.825T>A on transcript NM_152594.3 (MANE Select); coding-DNA position 825, T replaced by A.
Protein change: p.Asp275Glu; replaces aspartic acid 275 with glutamic acid.
Molecular consequence: missense variant.
Genome position (GRCh38, 1-based): chr15:38,351,154, T>A. VCF-style: chr15-38351154-T-A. GRCh37 (hg19) VCF-style: chr15-38643355-T-A.
Other names: short protein forms D275E.
Identifiers: ClinVar variation 3961367 (VCV003961367.1).

ClinVar aggregate classification (germline): Uncertain significance (1 of 4 stars; one submission).

Conditions:
Cardiovascular phenotype. Identifiers: MedGen CN230736.

Submission:

Ambry Genetics
Classification: Uncertain significance for Cardiovascular phenotype. Last evaluated: 2025-03-27. Review status: criteria provided, single submitter. Criteria: Ambry Variant Classification Scheme 2023. Collection method: clinical testing. Allele origin: germline.
Comment: The p.D275E variant (also known as c.825T>A), located in coding exon 7 of the SPRED1 gene, results from a T to A substitution at nucleotide position 825. The aspartic acid at codon 275 is replaced by glutamic acid, an amino acid with highly similar properties. This amino acid position is conserved. In addition, this alteration is predicted to be tolerated by in silico analysis. Based on the available evidence, the clinical significance of this variant remains unclear.